The following is an entry in ClinVar:

NM_001613.4(ACTA2):c.1112T>C (p.Ile371Thr)

Genes: ACTA2 (actin alpha 2, smooth muscle; minus strand), ACTA2-AS1 (ACTA2 antisense RNA 1; plus strand). Cytogenetic location: 10q23.31.
Variant type: single nucleotide variant.
Coding change: c.1112T>C on transcript NM_001613.4 (MANE Select); coding-DNA position 1112, T replaced by C.
Protein change: p.Ile371Thr; replaces isoleucine 371 with threonine.
Molecular consequence: missense variant. On other transcripts: non-coding transcript variant (1).
Genome position (GRCh38, 1-based): chr10:88,935,245, A>G on the plus strand (T>C on the coding strand, the complement: ACTA2 is on the minus strand). VCF-style: chr10-88935245-A-G. GRCh37 (hg19) VCF-style: chr10-90695002-A-G.
Other names: c.1112T>C, p.Ile371Thr (NM_001141945.3, NM_001320855.2, NM_001406462.1 and 2 more transcripts); c.1001T>C, p.Ile334Thr (NM_001406466.1); c.983T>C, p.Ile328Thr (NM_001406467.1, NM_001406468.1, NM_001406469.1); c.920T>C, p.Ile307Thr (NM_001406471.1); short protein forms I371T, I328T, I307T, I334T.
Identifiers: ClinVar variation 806544 (VCV000806544.51), dbSNP rs778887472, ClinGen allele CA026799.

ClinVar aggregate classification (germline): Uncertain significance. Review status: criteria provided, multiple submitters, no conflicts (2 of 4 stars). 5 submissions from 5 submitters: Uncertain significance (5). Last evaluated 2025-12-09.

Conditions:
Aortic aneurysm, familial thoracic 6 (AAT6). Also called: FAMILIAL THORACIC AORTIC ANEURYSM WITH LIVEDO RETICULARIS AND IRIS FLOCCULI. Identifiers: MedGen C2673186, MONDO:0012730, OMIM 611788.
Familial thoracic aortic aneurysm and aortic dissection (TAAD). Also called: Thoracic aortic aneurysms and dissections. Identifiers: Orphanet 91387, MedGen C4707243, MONDO:0019625.

Allele frequency attached by ClinVar (database versions not stated): gnomAD 0.00001; gnomAD exomes 0.00001 and 0.00002; TOPMed 0.00001; ExAC 0.00002.
gnomAD v4.1: 12 of 1,613,522 alleles (0.00074%); highest among the groups gnomAD compares: East Asian, 0.0022%; no homozygotes.

Submissions (5):

Labcorp Genetics (formerly Invitae), Labcorp
Classification: Uncertain significance for Aortic aneurysm, familial thoracic 6. Last evaluated: 2025-12-09. Review status: criteria provided, single submitter. Criteria: Invitae Variant Classification Sherloc (09022015). Collection method: clinical testing. Allele origin: germline.
Comment: This sequence change replaces isoleucine, which is neutral and non-polar, with threonine, which is neutral and polar, at codon 371 of the ACTA2 protein (p.Ile371Thr). This variant is present in population databases (rs778887472, gnomAD 0.007%). This variant has not been reported in the literature in individuals affected with ACTA2-related conditions. ClinVar contains an entry for this variant (Variation ID: 806544). Invitae Evidence Modeling of protein sequence and biophysical properties (such as structural, functional, and spatial information, amino acid conservation, physicochemical variation, residue mobility, and thermodynamic stability) indicates that this missense variant is not expected to disrupt ACTA2 protein function with a negative predictive value of 80%. In summary, the available evidence is currently insufficient to determine the role of this variant in disease. Therefore, it has been classified as a Variant of Uncertain Significance.

Color Diagnostics, LLC DBA Color Health
Classification: Uncertain significance for Familial thoracic aortic aneurysm and aortic dissection. Last evaluated: 2024-07-02. Review status: criteria provided, single submitter. Criteria: ACMG Guidelines, 2015. Collection method: clinical testing. Allele origin: germline.
Comment: This missense variant replaces isoleucine with threonine at codon 371 of the ACTA2 protein. Computational prediction suggests that this variant may have deleterious impact on protein structure and function. To our knowledge, functional studies have not been reported for this variant. This variant has not been reported in individuals affected with ACTA2-related disorders in the literature. This variant has been identified in 4/251272 chromosomes in the general population by the Genome Aggregation Database (gnomAD). The available evidence is insufficient to determine the role of this variant in disease conclusively. Therefore, this variant is classified as a Variant of Uncertain Significance.

Ambry Genetics
Classification: Uncertain significance for Familial thoracic aortic aneurysm and aortic dissection. Last evaluated: 2024-05-12. Review status: criteria provided, single submitter. Criteria: Ambry Variant Classification Scheme 2023. Collection method: clinical testing. Allele origin: germline.
Comment: The p.I371T variant (also known as c.1112T>C), located in coding exon 8 of the ACTA2 gene, results from a T to C substitution at nucleotide position 1112. The isoleucine at codon 371 is replaced by threonine, an amino acid with similar properties. This amino acid position is conserved. In addition, this alteration is predicted to be deleterious by in silico analysis. Based on the available evidence, the clinical significance of this variant remains unclear.

GeneDx
Classification: Uncertain significance. Last evaluated: 2023-12-13. Review status: criteria provided, single submitter. Criteria: GeneDx Variant Classification Process June 2021. Collection method: clinical testing. Allele origin: germline. Affected: yes.
Comment: Not observed at significant frequency in large population cohorts (gnomAD); In silico analysis supports that this missense variant does not alter protein structure/function; Has not been previously published as pathogenic or benign to our knowledge

CeGaT Center for Human Genetics Tuebingen
Classification: Uncertain significance. Last evaluated: 2019-02-01. Review status: criteria provided, single submitter. Criteria: CeGaT Center For Human Genetics Tuebingen Variant Classification Criteria Version 2. Collection method: clinical testing. Allele origin: germline. Affected: yes. Observed: 1 variant allele.